The following is an entry in ClinVar:

ClinVar aggregate classification (germline): Uncertain significance. Review status: criteria provided, multiple submitters, no conflicts (2 of 4 stars). 2 submissions from 2 submitters: Uncertain significance (2). Last evaluated 2025-11-05.

Conditions:
Charcot-Marie-Tooth disease type 2. Also called: Charcot-Marie-Tooth type 2. Identifiers: Orphanet 64746, MedGen C0270914, MONDO:0018993.

Allele frequency attached by ClinVar (database versions not stated): gnomAD exomes 0.00002; TOPMed 0.00003; ExAC 0.00002; gnomAD 0.00003.
gnomAD v4.1: 35 of 1,614,054 alleles (0.0022%); highest among the groups gnomAD compares: African/African-American, 0.0053%; no homozygotes.

Submissions (2):

Labcorp Genetics (formerly Invitae), Labcorp
Classification: Uncertain significance for Charcot-Marie-Tooth disease type 2. Last evaluated: 2025-11-05. Review status: criteria provided, single submitter. Criteria: Invitae Variant Classification Sherloc (09022015). Collection method: clinical testing. Allele origin: germline.
Comment: This sequence change replaces valine, which is neutral and non-polar, with methionine, which is neutral and non-polar, at codon 406 of the KIF1B protein (p.Val406Met). This variant is present in population databases (rs779257905, gnomAD 0.007%). This variant has not been reported in the literature in individuals affected with KIF1B-related conditions. ClinVar contains an entry for this variant (Variation ID: 1751746). An algorithm developed to predict the effect of missense changes on protein structure and function (PolyPhen-2) suggests that this variant is likely to be tolerated. In summary, the available evidence is currently insufficient to determine the role of this variant in disease. Therefore, it has been classified as a Variant of Uncertain Significance.

Ambry Genetics
Classification: Uncertain significance. Last evaluated: 2025-10-12. Review status: criteria provided, single submitter. Criteria: Ambry Variant Classification Scheme 2023. Collection method: clinical testing. Allele origin: germline.
Comment: The p.V406M variant (also known as c.1216G>A), located in coding exon 12 of the KIF1B gene, results from a G to A substitution at nucleotide position 1216. The valine at codon 406 is replaced by methionine, an amino acid with highly similar properties. This amino acid position is well conserved in available vertebrate species. In addition, this alteration is predicted to be tolerated by in silico analysis. Since supporting evidence is limited at this time, the clinical significance of this alteration remains unclear.

NM_001365951.3(KIF1B):c.1354G>A (p.Val452Met)

Gene: KIF1B (kinesin family member 1B; plus strand). Cytogenetic location: 1p36.22.
Variant type: single nucleotide variant.
Coding change: c.1354G>A on transcript NM_001365951.3 (MANE Select); coding-DNA position 1354, G replaced by A.
Protein change: p.Val452Met; replaces valine 452 with methionine.
Molecular consequence: missense variant.
Genome position (GRCh38, 1-based): chr1:10,282,453, G>A. VCF-style: chr1-10282453-G-A. GRCh37 (hg19) VCF-style: chr1-10342511-G-A.
Other names: c.1354G>A, p.Val452Met (NM_001365952.1); c.1216G>A, p.Val406Met (NM_001365953.1, NM_015074.3, NM_183416.4); short protein forms V452M, V406M.
Identifiers: ClinVar variation 1751746 (VCV001751746.7), dbSNP rs779257905, ClinGen allele CA580944.